The following is an entry in ClinVar:

ClinVar aggregate classification (germline): Uncertain significance (1 of 4 stars; one submission).

Submission:

GeneDx
Classification: Uncertain significance. Last evaluated: 2025-07-25. Review status: criteria provided, single submitter. Criteria: GeneDx Variant Classification Process June 2021. Collection method: clinical testing. Allele origin: germline. Affected: yes.
Comment: In silico analysis supports that this missense variant has a deleterious effect on protein structure/function; Has not been previously published as pathogenic or benign to our knowledge

NM_001257291.2(SLC9A7):c.1622G>A (p.Gly541Asp)

Gene: SLC9A7 (solute carrier family 9 member A7; minus strand). Cytogenetic location: Xp11.3.
Variant type: single nucleotide variant.
Coding change: c.1622G>A on transcript NM_001257291.2 (MANE Select); coding-DNA position 1622, G replaced by A.
Protein change: p.Gly541Asp; replaces glycine 541 with aspartic acid.
Molecular consequence: missense variant.
Genome position (GRCh38, 1-based): chrX:46,635,643, C>T on the plus strand (G>A on the coding strand, the complement: SLC9A7 is on the minus strand). VCF-style: chrX-46635643-C-T. GRCh37 (hg19) VCF-style: chrX-46495078-C-T.
Other names: c.1619G>A, p.Gly540Asp (NM_032591.3); short protein forms G540D, G541D.
Identifiers: ClinVar variation 4686905 (VCV004686905.1).